The following is an entry in ClinVar:

NM_000492.4:c.(1209+1_1210-1)_(1392+1_1393-1)del

Gene: CFTR (CF transmembrane conductance regulator; plus strand).
Variant type: Deletion.
Other names: CFTRdele9/c.1342-?_1524 + ?del; c.(1209+1_1210-1)_(1392+1_1393-1)del (NM_000492.4).
Identifiers: ClinVar variation 1706027 (VCV001706027.1).

ClinVar aggregate classification (germline): Likely pathogenic (1 of 4 stars; one submission).

Conditions:
Cystic fibrosis (CF). Also called: MUCOVISCIDOSIS. Identifiers: Orphanet 586, MedGen C0010674, MONDO:0009061, OMIM 219700. Disease mechanism: loss of function.

Submission:

Institute of Human Genetics, University of Leipzig Medical Center
Classification: Likely pathogenic for Cystic fibrosis. Last evaluated: 2022-09-05. Review status: criteria provided, single submitter. Criteria: ACMG Guidelines, 2015. Collection method: curation. Allele origin: unknown. Affected: yes. Observed: 1 variant allele.
Comment: The variant was classified in the context of a project re-classifying variants in the German Cystic Fibrosis Registry (Muko.e.V.). Criteria applied: PVS1_STR, PM2_SUP, PM3, PP4